The following is an entry in ClinVar:

NM_000238.4(KCNH2):c.1762_1765dup (p.Leu589fs)

Gene: KCNH2 (potassium voltage-gated channel subfamily H member 2; minus strand). Cytogenetic location: 7q36.1.
Variant type: Duplication.
Coding change: c.1762_1765dup on transcript NM_000238.4 (MANE Select); coding-DNA positions 1762 to 1765, 4 bases duplicated (AACC; older notation c.1762_1765dupAACC).
Protein change: p.Leu589fs; shifts the reading frame from leucine 589.
Molecular consequence: frameshift variant.
Genome position (GRCh38, 1-based): chr7:150,951,628-150,951,631, GGTT duplicated on the plus strand (AACC on the coding strand, the reverse complement: KCNH2 is on the minus strand); duplicating any 4 consecutive bases within chr7:150,951,628-150,951,632 gives the same sequence; the c. name uses the placement nearest the transcript's 3' end. VCF-style (leftmost placement, unchanged base first): chr7-150951627-A-AGGTT. GRCh37 (hg19) VCF-style: chr7-150648715-A-AGGTT.
Other names: c.742_745dup, p.Leu249fs (NM_001204798.2, NM_172057.3); c.1473_1476dup, p.Leu493Glnfs (NM_001406753.1, NM_001406756.1); c.1584_1587dup, p.Leu530Glnfs (NM_001406755.1); c.1461_1464dup, p.Leu489Glnfs (NM_001406757.1); c.1761_1764dup, p.Leu589Glnfs (NM_172056.3); short protein forms L589fs, L249fs.
Identifiers: ClinVar variation 2016168 (VCV002016168.4), dbSNP rs2486037915, ClinGen allele CA2580077800.

ClinVar aggregate classification (germline): Pathogenic (1 of 4 stars; one submission).

Conditions:
Long QT syndrome (LQTS). Identifiers: MedGen C0023976, MeSH D008133, MONDO:0002442. Disease mechanism: loss of function. Inheritance: Various modes of inheritance.

Submission:

Labcorp Genetics (formerly Invitae), Labcorp
Classification: Pathogenic for Long QT syndrome. Last evaluated: 2021-11-29. Review status: criteria provided, single submitter. Criteria: Invitae Variant Classification Sherloc (09022015). Collection method: clinical testing. Allele origin: germline.
Comment: For these reasons, this variant has been classified as Pathogenic. This variant has not been reported in the literature in individuals affected with KCNH2-related conditions. This variant is not present in population databases (gnomAD no frequency). This sequence change creates a premature translational stop signal (p.Leu589Glnfs*67) in the KCNH2 gene. It is expected to result in an absent or disrupted protein product. Loss-of-function variants in KCNH2 are known to be pathogenic (PMID: 10973849, 19862833).

Literature cited by the submitters: PubMed 10973849; PubMed 19862833.